The following is an entry in ClinVar:

NM_001330691.3(CEP78):c.1205G>A (p.Arg402Lys)

Gene: CEP78 (centrosomal protein 78; plus strand). Cytogenetic location: 9q21.2.
Variant type: single nucleotide variant.
Coding change: c.1205G>A on transcript NM_001330691.3 (MANE Select); coding-DNA position 1205, G replaced by A.
Protein change: p.Arg402Lys; replaces arginine 402 with lysine.
Molecular consequence: missense variant.
Genome position (GRCh38, 1-based): chr9:78,252,043, G>A. VCF-style: chr9-78252043-G-A. GRCh37 (hg19) VCF-style: chr9-80866959-G-A.
Other names: c.1208G>A, p.Arg403Lys (NM_001098802.3, NM_001349839.2, NM_001349840.2 and 1 more transcripts); c.1205G>A, p.Arg402Lys (NM_001330693.3, NM_001330694.2, NM_001349838.2); short protein forms R402K, R403K.
Identifiers: ClinVar variation 1375105 (VCV001375105.6), dbSNP rs755245638, ClinGen allele CA373859412.
Genomic context (GRCh38, chr9:78,252,043, plus strand): 5'-TTCCACCTGGTGTGTCTGGTTTCTTGCCGTGGCGTACTGCAGAACGTGCAAAAAGACACA[G>A]GTAGGGTATTTTTATTTCCTATCTTTTAGGATAAAAATGGGATTCAAAATTCTTTATTTT-3'
Protein context (NP_001317620.1, residues 392-412): WRTAERAKRH[Arg402Lys]GFPLIKTRDI

ClinVar aggregate classification (germline): Uncertain significance (1 of 4 stars; one submission).

Submission:

Labcorp Genetics (formerly Invitae), Labcorp
Classification: Uncertain significance. Last evaluated: 2024-10-21. Review status: criteria provided, single submitter. Criteria: Invitae Variant Classification Sherloc (09022015). Collection method: clinical testing. Allele origin: germline.
Comment: This sequence change replaces arginine, which is basic and polar, with lysine, which is basic and polar, at codon 403 of the CEP78 protein (p.Arg403Lys). This variant also falls at the last nucleotide of exon 9, which is part of the consensus splice site for this exon. This variant is not present in population databases (gnomAD no frequency). This variant has not been reported in the literature in individuals affected with CEP78-related conditions. ClinVar contains an entry for this variant (Variation ID: 1375105). An algorithm developed to predict the effect of missense changes on protein structure and function (PolyPhen-2) suggests that this variant is likely to be disruptive. Variants that disrupt the consensus splice site are a relatively common cause of aberrant splicing (PMID: 17576681, 9536098). Algorithms developed to predict the effect of sequence changes on RNA splicing suggest that this variant may disrupt the consensus splice site. In summary, the available evidence is currently insufficient to determine the role of this variant in disease. Therefore, it has been classified as a Variant of Uncertain Significance.

Literature cited by the submitters: PubMed 17576681; PubMed 9536098.